The following is an entry in ClinVar:

ClinVar aggregate classification (germline): Likely pathogenic (1 of 4 stars; one submission).

Conditions:
Migraine, familial hemiplegic, 1. Also called: MIGRAINE, FAMILIAL HEMIPLEGIC 1, WITH PROGRESSIVE CEREBELLAR ATAXIA. Identifiers: Orphanet 569, MedGen C1832884, MONDO:0020756, OMIM 141500, MONDO:0007714.

Submission:

Institute of Human Genetics, University of Leipzig Medical Center
Classification: Likely pathogenic for Migraine, familial hemiplegic, 1. Last evaluated: 2025-08-25. Review status: criteria provided, single submitter. Criteria: ACMG Guidelines, 2015. Collection method: clinical testing. Allele origin: unknown. Inheritance: Autosomal dominant inheritance. Affected: yes.
Comment: Criteria applied: PM1,PM2,PP2,PP3

NM_001127222.2(CACNA1A):c.406A>G (p.Thr136Ala)

Gene: CACNA1A (calcium voltage-gated channel subunit alpha1 A; minus strand). Cytogenetic location: 19p13.13.
Variant type: single nucleotide variant.
Coding change: c.406A>G on transcript NM_001127222.2 (MANE Select); coding-DNA position 406, A replaced by G.
Protein change: p.Thr136Ala; replaces threonine 136 with alanine.
Molecular consequence: missense variant.
Genome position (GRCh38, 1-based): chr19:13,453,009, T>C on the plus strand (A>G on the coding strand, the complement: CACNA1A is on the minus strand). VCF-style: chr19-13453009-T-C. GRCh37 (hg19) VCF-style: chr19-13563823-T-C.
Other names: c.406A>G, p.Thr136Ala (NM_000068.4, NM_001127221.2, NM_001174080.2 and 1 more transcripts); short protein forms T136A.
Identifiers: ClinVar variation 4279024 (VCV004279024.1).